The following is an entry in ClinVar:

NM_000179.3(MSH6):c.3819_3820del (p.Asn1273fs)

Gene: MSH6 (mutS homolog 6; plus strand). Cytogenetic location: 2p16.3.
Variant type: Deletion.
Coding change: c.3819_3820del on transcript NM_000179.3 (MANE Select); coding-DNA positions 3819 to 3820, 2 bases deleted (TG; older notation c.3819_3820delTG).
Protein change: p.Asn1273fs; shifts the reading frame from asparagine 1273.
Molecular consequence: frameshift variant.
Genome position (GRCh38, 1-based): chr2:47,806,469-47,806,470, TG deleted. VCF-style (leftmost placement, unchanged base first): chr2-47806468-ATG-A. GRCh37 (hg19) VCF-style: chr2-48033607-ATG-A.
Other names: c.3429_3430del, p.Asn1143fs (NM_001281492.2); c.2913_2914del, p.Asn971fs (NM_001281493.2, NM_001281494.2); c.3915_3916delTG, p.Asn1305Lysfs (NM_001406795.1); c.3819_3820delTG, p.Asn1273Lysfs (NM_001406796.1, NM_001406808.1, NM_001406809.1); c.3522_3523delTG, p.Asn1174Lysfs (NM_001406797.1, NM_001406801.1, NM_001406805.1 and 10 more transcripts); c.3645_3646delTG, p.Asn1215Lysfs (NM_001406798.1); c.3294_3295delTG, p.Asn1098Lysfs (NM_001406799.1, NM_001406806.1, NM_001406807.1); c.3806_3807delTG, p.Met1269Lysfs (NM_001406800.1); and 9 more; short protein forms N1143fs, N971fs, N1273fs.
Identifiers: ClinVar variation 2120697 (VCV002120697.4), dbSNP rs2530856101, ClinGen allele CA2580067382.
Genomic context (GRCh38, chr2:47,806,468, plus strand): 5'-TTCTCTTGCTAGCACATGTATCGCTAATATTTTTCTTTCTTAAGGCATGCATGGTAGAAA[ATG>A]AATGTGAAGACCCCAGCCAGGAGACTATTACGTTCCTCTATAAATTCATTAAGGGAGCTT-3'

ClinVar aggregate classification (germline): Pathogenic (1 of 4 stars; one submission).

Conditions:
Hereditary nonpolyposis colorectal neoplasms. Identifiers: MedGen C0009405, MeSH D003123.

Submission:

Labcorp Genetics (formerly Invitae), Labcorp
Classification: Pathogenic for Hereditary nonpolyposis colorectal neoplasms. Last evaluated: 2022-04-01. Review status: criteria provided, single submitter. Criteria: Invitae Variant Classification Sherloc (09022015). Collection method: clinical testing. Allele origin: germline.
Comment: This sequence change creates a premature translational stop signal (p.Asn1273Lysfs*3) in the MSH6 gene. It is expected to result in an absent or disrupted protein product. Loss-of-function variants in MSH6 are known to be pathogenic (PMID: 18269114, 24362816). This variant is not present in population databases (gnomAD no frequency). This variant has not been reported in the literature in individuals affected with MSH6-related conditions. For these reasons, this variant has been classified as Pathogenic.

Literature cited by the submitters: PubMed 18269114; PubMed 24362816.